The following is an entry in ClinVar:

NM_000384.3(APOB):c.9647T>C (p.Leu3216Ser)

Gene: APOB (apolipoprotein B; minus strand). Cytogenetic location: 2p24.1.
Variant type: single nucleotide variant.
Coding change: c.9647T>C on transcript NM_000384.3 (MANE Select); coding-DNA position 9647, T replaced by C.
Protein change: p.Leu3216Ser; replaces leucine 3216 with serine.
Molecular consequence: missense variant.
Genome position (GRCh38, 1-based): chr2:21,007,221, A>G on the plus strand (T>C on the coding strand, the complement: APOB is on the minus strand). VCF-style: chr2-21007221-A-G. GRCh37 (hg19) VCF-style: chr2-21230093-A-G.
Other names: short protein forms L3216S.
Identifiers: ClinVar variation 5017698 (VCV005017698.1).

ClinVar aggregate classification (germline): Uncertain significance (1 of 4 stars; one submission).

Submission:

GeneDx
Classification: Uncertain significance. Last evaluated: 2026-03-27. Review status: criteria provided, single submitter. Criteria: GeneDx Variant Classification Process June 2021. Collection method: clinical testing. Allele origin: germline.
Comment: Not observed at significant frequency in large population cohorts (gnomAD); In silico analysis supports that this missense variant has a deleterious effect on protein structure/function; Has not been previously published as pathogenic or benign to our knowledge